The following is an entry in ClinVar:

ClinVar aggregate classification (germline): Benign/Likely benign. Review status: criteria provided, multiple submitters, no conflicts (2 of 4 stars). 4 submissions from 4 submitters: Benign (1); Likely benign (3). Last evaluated 2025-11-05.

Conditions:
Hereditary cancer-predisposing syndrome. Also called: Hereditary neoplastic syndrome; Hereditary Cancer Syndrome; Neoplastic Syndromes, Hereditary; Tumor predisposition. Identifiers: Orphanet 140162, MedGen C0027672, MeSH D009386, MONDO:0015356.
Familial cancer of breast. Also called: Hereditary breast cancer; BREAST CANCER, FAMILIAL; hereditary breast carcinoma. Identifiers: Orphanet 227535, MedGen C0346153, MONDO:0016419, OMIM 114480. Disease mechanism: loss of function.

Allele frequency attached by ClinVar (database versions not stated): ExAC 0.00001; gnomAD 0.00001.
gnomAD v4.1: 1 of 1,613,970 alleles (0.000062%); highest among the groups gnomAD compares: African/African-American, 0.0013%; no homozygotes.

Submissions (4):

Labcorp Genetics (formerly Invitae), Labcorp
Classification: Likely benign for Familial cancer of breast. Last evaluated: 2025-11-05. Review status: criteria provided, single submitter. Criteria: Invitae Variant Classification Sherloc (09022015). Collection method: clinical testing. Allele origin: germline.

Myriad Genetics, Inc.
Classification: Benign for Familial cancer of breast. Last evaluated: 2025-01-22. Review status: criteria provided, single submitter. Criteria: Myriad Autosomal Dominant, Autosomal Recessive and X-Linked Classification Criteria (2023). Collection method: clinical testing. Allele origin: unknown.
Comment: This variant is considered benign. This variant is a silent/synonymous amino acid change and it is not expected to impact splicing.

Color Diagnostics, LLC DBA Color Health
Classification: Likely benign for Hereditary cancer-predisposing syndrome. Last evaluated: 2016-10-08. Review status: criteria provided, single submitter. Criteria: ACMG Guidelines, 2015. Collection method: clinical testing. Allele origin: germline.

Ambry Genetics
Classification: Likely benign for Hereditary cancer-predisposing syndrome. Last evaluated: 2015-01-10. Review status: criteria provided, single submitter. Criteria: Ambry Variant Classification Scheme 2023. Collection method: clinical testing. Allele origin: germline.

NM_024675.4(PALB2):c.3453C>G (p.Leu1151=)

Gene: PALB2 (partner and localizer of BRCA2; minus strand). Cytogenetic location: 16p12.2.
Variant type: single nucleotide variant.
Coding change: c.3453C>G on transcript NM_024675.4 (MANE Select); coding-DNA position 3453, C replaced by G.
Protein change: p.Leu1151=; no amino-acid change (leucine 1151 retained).
Molecular consequence: synonymous variant.
Genome position (GRCh38, 1-based): chr16:23,603,567, G>C on the plus strand (C>G on the coding strand, the complement: PALB2 is on the minus strand). VCF-style: chr16-23603567-G-C. GRCh37 (hg19) VCF-style: chr16-23614888-G-C.
Identifiers: ClinVar variation 230002 (VCV000230002.19), dbSNP rs777315394, ClinGen allele CA7963333.